The following is an entry in ClinVar:

ClinVar aggregate classification (germline): Uncertain significance (1 of 4 stars; one submission).

Conditions:
Myofibrillar myopathy 5. Also called: FILAMINOPATHY, AUTOSOMAL DOMINANT; Filaminopathy (type). Identifiers: Orphanet 171445, MedGen C1836050, MONDO:0012289, OMIM 609524.
Distal myopathy with posterior leg and anterior hand involvement. Also called: WILLIAMS DISTAL MYOPATHY. Identifiers: Orphanet 63273, MedGen C3279722, MONDO:0013550, OMIM 614065.
Hypertrophic cardiomyopathy 26. Also called: Cardiomyopathy, familial hypertrophic, 26. Identifiers: Orphanet 75249, MedGen C4310749, MONDO:0014883, OMIM 617047.

Allele frequency attached by ClinVar (database versions not stated): ExAC 0.00001.
gnomAD v4.1: 1 of 1,613,762 alleles (0.000062%); highest among the groups gnomAD compares: Admixed American, 0.0017%; no homozygotes.

Submission:

Labcorp Genetics (formerly Invitae), Labcorp
Classification: Uncertain significance for Distal myopathy with posterior leg and anterior hand involvement; Myofibrillar myopathy 5; Hypertrophic cardiomyopathy 26. Last evaluated: 2022-08-17. Review status: criteria provided, single submitter. Criteria: Invitae Variant Classification Sherloc (09022015). Collection method: clinical testing. Allele origin: germline.
Comment: This variant has not been reported in the literature in individuals affected with FLNC-related conditions. This variant is present in population databases (rs746295273, gnomAD 0.003%). This sequence change replaces glutamine, which is neutral and polar, with histidine, which is basic and polar, at codon 175 of the FLNC protein (p.Gln175His). Algorithms developed to predict the effect of missense changes on protein structure and function are either unavailable or do not agree on the potential impact of this missense change (SIFT: "Tolerated"; PolyPhen-2: "Possibly Damaging"; Align-GVGD: "Class C0"). In summary, the available evidence is currently insufficient to determine the role of this variant in disease. Therefore, it has been classified as a Variant of Uncertain Significance.

NM_001458.5(FLNC):c.525G>C (p.Gln175His)

Gene: FLNC (filamin C; plus strand). Cytogenetic location: 7q32.1.
Variant type: single nucleotide variant.
Coding change: c.525G>C on transcript NM_001458.5 (MANE Select); coding-DNA position 525, G replaced by C.
Protein change: p.Gln175His; replaces glutamine 175 with histidine.
Molecular consequence: missense variant.
Genome position (GRCh38, 1-based): chr7:128,835,498, G>C. VCF-style: chr7-128835498-G-C. GRCh37 (hg19) VCF-style: chr7-128475552-G-C.
Other names: c.525G>C, p.Gln175His (NM_001127487.2); short protein forms Q175H.
Identifiers: ClinVar variation 2148930 (VCV002148930.4), dbSNP rs746295273, ClinGen allele CA4474047.